The following is an entry in ClinVar:

ClinVar aggregate classification (germline): Likely benign. Review status: criteria provided, single submitter (1 of 4 stars). 2 submissions from 2 submitters: Likely benign (1). 1 of the submissions does not count toward it. Last evaluated 2022-10-01.

Conditions:
NLRP2-related disorder. Also called: NLRP2-related condition.

Allele frequency attached by ClinVar (database versions not stated): ESP Exome Variant Server 0.00392; gnomAD 0.00412; 1000 Genomes Project 30x 0.00437; gnomAD exomes 0.00457; TOPMed 0.00459; 1000 Genomes Project 0.00479; ExAC 0.00480.
gnomAD v4.1: 7,336 of 1,614,176 alleles (0.45%); highest among the groups gnomAD compares: South Asian, 0.89%; 43 homozygotes.

Submissions (2):

CeGaT Center for Human Genetics Tuebingen
Classification: Likely benign. Last evaluated: 2022-10-01. Review status: criteria provided, single submitter. Criteria: CeGaT Center For Human Genetics Tuebingen Variant Classification Criteria Version 2. Collection method: clinical testing. Allele origin: germline. Affected: yes. Observed: 1 variant allele.
Comment: NLRP2: BP4, BS2

PreventionGenetics, part of Exact Sciences
Classification: Benign for NLRP2-related condition. Last evaluated: 2019-03-04. Review status: no assertion criteria provided. Collection method: clinical testing. Allele origin: germline. Not counted in ClinVar's aggregate classification.
Comment: This variant is classified as benign based on ACMG/AMP sequence variant interpretation guidelines (Richards et al. 2015 PMID: 25741868, with internal and published modifications).

NM_017852.5(NLRP2):c.1786C>T (p.His596Tyr)

Gene: NLRP2 (NLR family pyrin domain containing 2; plus strand). Cytogenetic location: 19q13.42.
Variant type: single nucleotide variant.
Coding change: c.1786C>T on transcript NM_017852.5 (MANE Select); coding-DNA position 1786, C replaced by T.
Protein change: p.His596Tyr; replaces histidine 596 with tyrosine.
Molecular consequence: missense variant. On other transcripts: non-coding transcript variant (1).
Genome position (GRCh38, 1-based): chr19:54,983,484, C>T. VCF-style: chr19-54983484-C-T. GRCh37 (hg19) VCF-style: chr19-55494852-C-T.
Other names: c.1786C>T, p.His596Tyr (NM_001174081.3); c.1720C>T, p.His574Tyr (NM_001174082.3); c.1717C>T, p.His573Tyr (NM_001174083.2); c.1777C>T, p.His593Tyr (NM_001348003.2); c.1786C>T (NM_001174081.2); short protein forms H573Y, H574Y, H593Y, H596Y.
Identifiers: ClinVar variation 2650502 (VCV002650502.25), dbSNP rs145361990, ClinGen allele CA310105528.
Genomic context (GRCh38, chr19:54,983,484, plus strand): 5'-CGGATGTCACCGGACATCAAACAGGAATTGCTGCGATGCGACATAAGTTGTAAGGGTGGA[C>T]ATTCAACGGTGACAGACCTGCAGGAGCTCCTCGGCTGTCTGTACGAGTCTCAGGAGGAGG-3'
Protein context (NP_060322.1, residues 586-606): LRCDISCKGG[His596Tyr]STVTDLQELL